The following is an entry in ClinVar:

ClinVar aggregate classification (germline): Uncertain significance (1 of 4 stars; one submission).

Conditions:
Neuronopathy, distal hereditary motor, autosomal recessive 4. Also called: NEUROPATHY, DISTAL HEREDITARY MOTOR, AUTOSOMAL RECESSIVE 4; Autosomal recessive lower motor neuron disease with childhood onset. Identifiers: Orphanet 206580, MedGen C1970211, MONDO:0012608, OMIM 611067.
Charcot-Marie-Tooth disease recessive intermediate C. Also called: CHARCOT-MARIE-TOOTH NEUROPATHY, RECESSIVE INTERMEDIATE C. Identifiers: Orphanet 369867, MedGen C3809309, MONDO:0014154, OMIM 615376.

Submission:

Labcorp Genetics (formerly Invitae), Labcorp
Classification: Uncertain significance for Neuronopathy, distal hereditary motor, autosomal recessive 4; Charcot-Marie-Tooth disease recessive intermediate C. Last evaluated: 2022-01-26. Review status: criteria provided, single submitter. Criteria: Invitae Variant Classification Sherloc (09022015). Collection method: clinical testing. Allele origin: germline.
Comment: This sequence change replaces lysine, which is basic and polar, with glutamine, which is neutral and polar, at codon 276 of the PLEKHG5 protein (p.Lys276Gln). This variant is not present in population databases (gnomAD no frequency). This variant has not been reported in the literature in individuals affected with PLEKHG5-related conditions. ClinVar contains an entry for this variant (Variation ID: 1004097). Algorithms developed to predict the effect of missense changes on protein structure and function are either unavailable or do not agree on the potential impact of this missense change (SIFT: "Tolerated"; PolyPhen-2: "Probably Damaging"; Align-GVGD: "Class C0"). In summary, the available evidence is currently insufficient to determine the role of this variant in disease. Therefore, it has been classified as a Variant of Uncertain Significance.

NM_020631.6(PLEKHG5):c.826A>C (p.Lys276Gln)

Gene: PLEKHG5 (pleckstrin homology and RhoGEF domain containing G5; minus strand). Cytogenetic location: 1p36.31.
Variant type: single nucleotide variant.
Coding change: c.826A>C on transcript NM_020631.6 (MANE Select); coding-DNA position 826, A replaced by C.
Protein change: p.Lys276Gln; replaces lysine 276 with glutamine.
Molecular consequence: missense variant.
Genome position (GRCh38, 1-based): chr1:6,473,144, T>G on the plus strand (A>C on the coding strand, the complement: PLEKHG5 is on the minus strand). VCF-style: chr1-6473144-T-G. GRCh37 (hg19) VCF-style: chr1-6533204-T-G.
Other names: c.937A>C, p.Lys313Gln (NM_001042663.3, NM_001265592.2); c.826A>C, p.Lys276Gln (NM_001042664.2, NM_001042665.2, NM_001265594.3 and 1 more transcripts); c.1033A>C, p.Lys345Gln (NM_001265593.2); short protein forms K276Q, K313Q, K345Q.
Identifiers: ClinVar variation 1004097 (VCV001004097.6), dbSNP rs1644646685, ClinGen allele CA338135078.
Genomic context (GRCh38, chr1:6,473,144, plus strand): 5'-GGTCGAAGCGCAGCCCCCGGGGCAGCCTGGGCAGCCCGAAGAGGCTGTAGGTGTGCAGCT[T>G]GCCCTCCAGCTGCTCCATCTTGTCTACCTCCTGGAAAGATACCCTGGTCAGGGTCAGGGG-3'
Protein context (NP_065682.2, residues 266-286): EVDKMEQLEG[Lys276Gln]LHTYSLFGLP